The following is an entry in ClinVar:

ClinVar aggregate classification (germline): Likely benign (1 of 4 stars; one submission).

Conditions:
Leigh syndrome (NULS). Also called: Leigh's necrotizing encephalopathy; Leigh's disease; Leigh's syndrome; LEIGH SYNDROME, NUCLEAR; Leigh Syndrome (mtDNA deletion); Leigh Disease. Identifiers: Orphanet 506, MedGen C2931891, MONDO:0009723, OMIM 256000.

Submission:

Wong Mito Lab, Molecular and Human Genetics, Baylor College of Medicine
Classification: Likely benign for Leigh syndrome. Last evaluated: 2019-10-17. Review status: criteria provided, single submitter. Criteria: Modified ACMG Guidelines (Unpublished). Collection method: clinical testing. Allele origin: germline.
Comment: The NC_012920.1:m.13888T>C (YP_003024036.1:p.Cys518Arg) variant in MTND5 gene is interpretated to be a Likely Benign variant based on the modified ACMG guidelines (unpublished). This variant meets the following evidence codes: BS1, BP4

NC_012920.1(MT-ND5):m.13888T>C

Gene: MT-ND5 (mitochondrially encoded NADH dehydrogenase 5; plus strand).
Variant type: single nucleotide variant.
Genome position: chrM-13888-T-C.
Identifiers: ClinVar variation 693628 (VCV000693628.1), dbSNP rs1603224403, ClinGen allele CA414819950.